The following is an entry in ClinVar:

NM_000368.5(TSC1):c.2209-20A>T

Gene: TSC1 (TSC complex subunit 1; minus strand). Cytogenetic location: 9q34.13.
Variant type: single nucleotide variant.
Coding change: c.2209-20A>T on transcript NM_000368.5 (MANE Select); 20 bases into the intron before coding-DNA position 2209, A replaced by T.
Molecular consequence: intron variant.
Genome position (GRCh38, 1-based): chr9:132,902,807, T>A on the plus strand (A>T on the coding strand, the complement: TSC1 is on the minus strand). VCF-style: chr9-132902807-T-A. GRCh37 (hg19) VCF-style: chr9-135778194-T-A.
Other names: c.1843-20A>T (NM_001406620.1, NM_001406625.1, NM_001406621.1 and 2 more transcripts); c.1846-20A>T (NM_001406618.1, NM_001406617.1, NM_001406619.1 and 5 more transcripts); c.2053-20A>T (NM_001406613.1, NM_001406612.1, NM_001406611.1); c.2056-20A>T (NM_001406610.1, NM_001162427.2); c.1255-20A>T (NM_001406627.1, NM_001406628.1); c.1156-20A>T (NM_001406629.1, NM_001406630.1); c.2191-20A>T (NM_001406603.1, NM_001406604.1); c.2206-20A>T (NM_001406609.1, NM_001406597.1, NM_001406600.1 and 4 more transcripts); and 3 more.
Identifiers: ClinVar variation 4071113 (VCV004071113.2).

ClinVar aggregate classification (germline): Likely benign. Review status: criteria provided, multiple submitters, no conflicts (2 of 4 stars). 2 submissions from 2 submitters: Likely benign (2). Last evaluated 2026-02-03.

Conditions:
Tuberous sclerosis 1 (TSC1). Identifiers: Orphanet 805, MedGen C1854465, MONDO:0008612, OMIM 191100.

Submissions (2):

Labcorp Genetics (formerly Invitae), Labcorp
Classification: Likely benign for Tuberous sclerosis 1. Last evaluated: 2026-02-03. Review status: criteria provided, single submitter. Criteria: Invitae Variant Classification Sherloc (09022015). Collection method: clinical testing. Allele origin: germline.

Myriad Genetics, Inc.
Classification: Likely benign for Tuberous sclerosis 1. Last evaluated: 2025-04-24. Review status: criteria provided, single submitter. Criteria: Myriad Autosomal Dominant, Autosomal Recessive and X-Linked Classification Criteria (2023). Collection method: clinical testing. Allele origin: unknown.
Comment: This variant is considered likely benign. This variant is intronic and is not expected to impact mRNA splicing.